The following is an entry in ClinVar:

NM_001083961.2(WDR62):c.571G>T (p.Val191Leu)

Gene: WDR62 (WD repeat domain 62; plus strand). Cytogenetic location: 19q13.12.
Variant type: single nucleotide variant.
Coding change: c.571G>T on transcript NM_001083961.2 (MANE Select); coding-DNA position 571, G replaced by T.
Protein change: p.Val191Leu; replaces valine 191 with leucine.
Molecular consequence: missense variant.
Genome position (GRCh38, 1-based): chr19:36,067,315, G>T. VCF-style: chr19-36067315-G-T. GRCh37 (hg19) VCF-style: chr19-36558217-G-T.
Other names: c.571G>T, p.Val191Leu (NM_173636.5); short protein forms V191L.
Identifiers: ClinVar variation 836811 (VCV000836811.9), dbSNP rs768099287, ClinGen allele CA405428620.
Genomic context (GRCh38, chr19:36,067,315, plus strand): 5'-AGTCCAGTGGAATGAGTGCTGGCATGAGCTTCTCTGCACTTATTCTTCCAGAAAGACATC[G>T]TAGTGGCCTCCAACAAGGTATCTTGTAGAGTCATTGCCCTCTCCTTCTCAGAGGACAGCA-3'
Protein context (NP_001077430.1, residues 181-201): LNVWDWKKDI[Val191Leu]VASNKVSCRV

ClinVar aggregate classification (germline): Uncertain significance (1 of 4 stars; one submission).

Submission:

Labcorp Genetics (formerly Invitae), Labcorp
Classification: Uncertain significance. Last evaluated: 2019-12-17. Review status: criteria provided, single submitter. Criteria: Invitae Variant Classification Sherloc (09022015). Collection method: clinical testing. Allele origin: germline.
Comment: In summary, the available evidence is currently insufficient to determine the role of this variant in disease. Therefore, it has been classified as a Variant of Uncertain Significance. Algorithms developed to predict the effect of missense changes on protein structure and function output the following: SIFT: "Tolerated"; PolyPhen-2: "Benign"; Align-GVGD: "Class C0". The leucine amino acid residue is found in multiple mammalian species, suggesting that this missense change does not adversely affect protein function. These predictions have not been confirmed by published functional studies and their clinical significance is uncertain. This variant has not been reported in the literature in individuals with WDR62-related conditions. This variant is not present in population databases (ExAC no frequency). This sequence change replaces valine with leucine at codon 191 of the WDR62 protein (p.Val191Leu). The valine residue is weakly conserved and there is a small physicochemical difference between valine and leucine.